The following is an entry in ClinVar:

ClinVar aggregate classification (germline): Conflicting classifications of pathogenicity. Review status: criteria provided, conflicting classifications (1 of 4 stars). 2 submissions from 2 submitters: Uncertain significance (1); Likely benign (1). Last evaluated 2018-07-30.

Conditions:
Hereditary cancer-predisposing syndrome. Also called: Tumor predisposition; Neoplastic Syndromes, Hereditary; Hereditary neoplastic syndrome; Hereditary Cancer Syndrome. Identifiers: Orphanet 140162, MedGen C0027672, MeSH D009386, MONDO:0015356.

Allele frequency attached by ClinVar (database versions not stated): gnomAD exomes below 0.00001; ExAC 0.00001.

Submissions (2):

Ambry Genetics
Classification: Likely benign for Hereditary cancer-predisposing syndrome. Last evaluated: 2018-07-30. Review status: criteria provided, single submitter. Criteria: Ambry Variant Classification Scheme 2023. Collection method: clinical testing. Allele origin: germline.

GeneDx
Classification: Uncertain significance. Last evaluated: 2014-08-07. Review status: criteria provided, single submitter. Criteria: GeneDx Variant Classification (06012015). Collection method: clinical testing. Allele origin: germline. Affected: yes.
Comment: This variant is denoted CDKN2A c.229G>A at the cDNA level, p.Ala77Thr (A77T) at the protein level, and results in the change of an Alanine to a Threonine (GCT>ACT). This variant has not, to our knowledge, been published in the literature as pathogenic or benign. CDKN2A Ala77Thr was not observed in approximately 6,500 individuals of European and African American ancestry in the NHLBI Exome Sequencing Project, indicating it is not a common benign variant in these populations. Since Alanine and Threonine differ in polarity, charge, size or other properties, this is considered a non-conservative amino acid substitution. CDKN2A Ala77Thr occurs at a position that is variable across species and is not located in a known functional domain. In silico analyses predict that this variant is unlikely to alter protein structure or function. Based on currently available information, it is unclear whether CDKN2A Ala77Thr is pathogenic or benign. We consider it to be a variant of uncertain significance.

NM_000077.5(CDKN2A):c.186G>A (p.Leu62=)

Gene: CDKN2A (cyclin dependent kinase inhibitor 2A; minus strand). Cytogenetic location: 9p21.3.
Variant type: single nucleotide variant.
Coding change: c.186G>A on transcript NM_000077.5; coding-DNA position 186, G replaced by A.
Protein change: p.Leu62=; no amino-acid change (leucine 62 retained).
Molecular consequence: synonymous variant (on NM_000077.6). On other transcripts: missense variant (1), 3 prime UTR variant (1).
Genome position (GRCh38, 1-based): chr9:21,971,173, C>T on the plus strand (G>A on the coding strand, the complement: CDKN2A is on the minus strand). VCF-style: chr9-21971173-C-T. GRCh37 (hg19) VCF-style: chr9-21971172-C-T.
Other names: p.A77T:GCT>ACT; c.186G>A, p.Leu62= (NM_000077.6, NM_001195132.2); c.33G>A, p.Leu11= (NM_001363763.2); c.229G>A, p.Ala77Thr (NM_058195.4); c.*109G>A (NM_058197.5); short protein forms A77T.
Identifiers: ClinVar variation 182417 (VCV000182417.6), dbSNP rs730881678, ClinGen allele CA299033.